The following is an entry in ClinVar:

ClinVar aggregate classification (germline): Pathogenic/Likely pathogenic. Review status: criteria provided, multiple submitters, no conflicts (2 of 4 stars). 5 submissions from 5 submitters: Pathogenic (2); Likely pathogenic (2). 1 of the submissions does not count toward it. Last evaluated 2024-03-26.

Conditions:
SLC17A5-related disorder. Also called: SLC17A5-related disorders; SLC17A5-related condition.
Salla disease (SD). Also called: Less Severe FSASD (Salla Disease); Sialuria, Finnish type; N-acetylneuraminic acid (NANA) storage disease (NSD); Infantile sialic acid storage disorder (ISSD). Identifiers: Orphanet 309334, Orphanet 834, MedGen C1096903, MONDO:0011449, OMIM 604369.
Sialic acid storage disease, severe infantile type (ISSD). Also called: SIALURIA, INFANTILE FORM; Infantile Sialic Acid Storage Disease; Free sialic acid storage disease, infantile form; INFANTILE SIALIC ACID STORAGE DISORDER; N-ACETYLNEURAMINIC ACID STORAGE DISEASE; NANA STORAGE DISEASE. Identifiers: Orphanet 309324, Orphanet 834, MedGen C1096902, MONDO:0010027, OMIM 269920.

Allele frequency attached by ClinVar (database versions not stated): gnomAD exomes below 0.00001; TOPMed below 0.00001.
gnomAD v4.1: 1 of 1,607,498 alleles (0.000062%); highest among the groups gnomAD compares: African/African-American, 0.0013%; no homozygotes.

Submissions (5):

Fulgent Genetics
Classification: Likely pathogenic for Sialic acid storage disease, severe infantile type; Salla disease. Last evaluated: 2024-03-26. Review status: criteria provided, single submitter. Criteria: ACMG Guidelines, 2015. Collection method: clinical testing. Allele origin: germline.

Baylor Genetics
Classification: Likely pathogenic for Salla disease. Last evaluated: 2023-08-30. Review status: criteria provided, single submitter. Criteria: ACMG Guidelines, 2015. Collection method: clinical testing. Allele origin: unknown.

Dasa
Classification: Pathogenic for Sialic acid storage disease, severe infantile type. Last evaluated: 2022-11-03. Review status: criteria provided, single submitter. Criteria: ACMG Guidelines, 2015. Collection method: clinical testing. Allele origin: germline. Affected: yes. Observed: 1 variant allele.
Comment: The c.619C>T;p.(Gln207*) variant creates a premature translational stop signal in the SLC17A5 gene. It is expected to result in an absent or disrupted protein product - PVS1. ClinVar contains an entry for this variant (ClinVar ID:960642) - PS4_supporting. This variant is not present in population databases (rs1769021763, gnomAD; ABraOM no frequency) - PM2. In summary, the currently available evidence indicates that the variant is pathogenic.

Labcorp Genetics (formerly Invitae), Labcorp
Classification: Pathogenic for Salla disease. Last evaluated: 2019-07-12. Review status: criteria provided, single submitter. Criteria: Invitae Variant Classification Sherloc (09022015). Collection method: clinical testing. Allele origin: germline.
Comment: Loss-of-function variants in SLC17A5 are known to be pathogenic (PMID: 10581036, 10947946, 15172001). For these reasons, this variant has been classified as Pathogenic. This sequence change creates a premature translational stop signal (p.Gln207*) in the SLC17A5 gene. It is expected to result in an absent or disrupted protein product. This variant is not present in population databases (ExAC no frequency). This variant has not been reported in the literature in individuals with SLC17A5-related conditions.

PreventionGenetics, part of Exact Sciences
Classification: Pathogenic for SLC17A5-related condition. Last evaluated: 2024-08-13. Review status: no assertion criteria provided. Collection method: clinical testing. Allele origin: germline. Not counted in ClinVar's aggregate classification.
Comment: The SLC17A5 c.619C>T variant is predicted to result in premature protein termination (p.Gln207*). To our knowledge, this variant has not been reported in the literature or in a large population database, indicating this variant is rare. In ClinVar, this variant has been reported as likely pathogenic /pathogenic. Nonsense variants in SLC17A5 are expected to be pathogenic. This variant is interpreted as pathogenic.

Literature cited by the submitters: PubMed 10581036 (cited by Labcorp Genetics (formerly Invitae), Labcorp); PubMed 10947946 (cited by Labcorp Genetics (formerly Invitae), Labcorp); PubMed 15172001 (cited by Labcorp Genetics (formerly Invitae), Labcorp).

NM_012434.5(SLC17A5):c.619C>T (p.Gln207Ter)

Gene: SLC17A5 (solute carrier family 17 member 5; minus strand). Cytogenetic location: 6q13.
Variant type: single nucleotide variant.
Coding change: c.619C>T on transcript NM_012434.5 (MANE Select); coding-DNA position 619, C replaced by T.
Protein change: p.Gln207Ter; replaces glutamine 207 with a stop codon.
Molecular consequence: nonsense. On other transcripts: intron variant (2).
Genome position (GRCh38, 1-based): chr6:73,636,702, G>A on the plus strand (C>T on the coding strand, the complement: SLC17A5 is on the minus strand). VCF-style: chr6-73636702-G-A. GRCh37 (hg19) VCF-style: chr6-74346425-G-A.
Other names: c.388C>T, p.Gln130Ter (NM_001382629.1); c.619C>T, p.Gln207Ter (NM_001382630.1, NM_001382633.1, NM_001382634.1); c.640C>T, p.Gln214Ter (NM_001382631.1); c.616C>T, p.Gln206Ter (NM_001382635.1); c.383-1202C>T (NM_001382636.1); c.614-1202C>T (NM_001382632.1); short protein forms Q130*, Q206*, Q207*, Q214*.
Identifiers: ClinVar variation 960642 (VCV000960642.12), dbSNP rs1769021763, ClinGen allele CA364716675.